The following is an entry in ClinVar:

ClinVar aggregate classification (germline): Pathogenic (1 of 4 stars; one submission).

Submission:

Labcorp Genetics (formerly Invitae), Labcorp
Classification: Pathogenic. Last evaluated: 2021-03-25. Review status: criteria provided, single submitter. Criteria: Invitae Variant Classification Sherloc (09022015). Collection method: clinical testing. Allele origin: germline.
Comment: For these reasons, this variant has been classified as Pathogenic. This variant has not been reported in the literature in individuals with KMT2B-related conditions. This variant is not present in population databases (ExAC no frequency). This sequence change creates a premature translational stop signal (p.Gln1067*) in the KMT2B gene. It is expected to result in an absent or disrupted protein product. Loss-of-function variants in KMT2B are known to be pathogenic (PMID: 27839873).

Literature cited by the submitters: PubMed 27839873.

NM_014727.3(KMT2B):c.3199C>T (p.Gln1067Ter)

Gene: KMT2B (lysine methyltransferase 2B; plus strand). Cytogenetic location: 19q13.12.
Variant type: single nucleotide variant.
Coding change: c.3199C>T on transcript NM_014727.3 (MANE Select); coding-DNA position 3199, C replaced by T.
Protein change: p.Gln1067Ter; replaces glutamine 1067 with a stop codon.
Molecular consequence: nonsense.
Genome position (GRCh38, 1-based): chr19:35,723,872, C>T. VCF-style: chr19-35723872-C-T. GRCh37 (hg19) VCF-style: chr19-36214773-C-T.
Other names: short protein forms Q1067*.
Identifiers: ClinVar variation 1351418 (VCV001351418.6), dbSNP rs2146446330, ClinGen allele CA405404573.